The following is an entry in ClinVar:

NM_001232.4(CASQ2):c.650A>T (p.Tyr217Phe)

Gene: CASQ2 (calsequestrin 2; minus strand). Cytogenetic location: 1p13.1.
Variant type: single nucleotide variant.
Coding change: c.650A>T on transcript NM_001232.4 (MANE Select); coding-DNA position 650, A replaced by T.
Protein change: p.Tyr217Phe; replaces tyrosine 217 with phenylalanine.
Molecular consequence: missense variant.
Genome position (GRCh38, 1-based): chr1:115,727,079, T>A on the plus strand (A>T on the coding strand, the complement: CASQ2 is on the minus strand). VCF-style: chr1-115727079-T-A. GRCh37 (hg19) VCF-style: chr1-116269700-T-A.
Other names: short protein forms Y217F.
Identifiers: ClinVar variation 1419695 (VCV001419695.9), dbSNP rs373227317, ClinGen allele CA341768810.

ClinVar aggregate classification (germline): Uncertain significance (1 of 4 stars; one submission).

Conditions:
Catecholaminergic polymorphic ventricular tachycardia 1. Also called: VENTRICULAR TACHYCARDIA, CATECHOLAMINERGIC POLYMORPHIC, 1, WITH OR WITHOUT ATRIAL DYSFUNCTION AND/OR DILATED CARDIOMYOPATHY; RYR2-Related Catecholaminergic Polymorphic Ventricular Tachycardia; VENTRICULAR TACHYCARDIA, STRESS-INDUCED POLYMORPHIC 1. Identifiers: Orphanet 3286, MedGen C1631597, MONDO:0011484, OMIM 604772.

Submission:

Labcorp Genetics (formerly Invitae), Labcorp
Classification: Uncertain significance for Catecholaminergic polymorphic ventricular tachycardia 1. Last evaluated: 2021-06-27. Review status: criteria provided, single submitter. Criteria: Invitae Variant Classification Sherloc (09022015). Collection method: clinical testing. Allele origin: germline.
Comment: This sequence change replaces tyrosine with phenylalanine at codon 217 of the CASQ2 protein (p.Tyr217Phe). The tyrosine residue is highly conserved and there is a small physicochemical difference between tyrosine and phenylalanine. This variant is not present in population databases (ExAC no frequency). This variant has not been reported in the literature in individuals with CASQ2-related conditions. Algorithms developed to predict the effect of missense changes on protein structure and function are either unavailable or do not agree on the potential impact of this missense change (SIFT: "Tolerated"; PolyPhen-2: "Probably Damaging"; Align-GVGD: "Class C0"). In summary, the available evidence is currently insufficient to determine the role of this variant in disease. Therefore, it has been classified as a Variant of Uncertain Significance.